The following is an entry in ClinVar:

NM_001283009.2(RTEL1):c.209G>T (p.Arg70Leu)

Genes: RTEL1 (regulator of telomere elongation helicase 1; plus strand), RTEL1-TNFRSF6B (RTEL1-TNFRSF6B readthrough (NMD candidate); plus strand). Cytogenetic location: 20q13.33.
Variant type: single nucleotide variant.
Coding change: c.209G>T on transcript NM_001283009.2 (MANE Select); coding-DNA position 209, G replaced by T.
Protein change: p.Arg70Leu; replaces arginine 70 with leucine.
Molecular consequence: missense variant. On other transcripts: non-coding transcript variant (1), 5 prime UTR variant (1).
Genome position (GRCh38, 1-based): chr20:63,661,404, G>T. VCF-style: chr20-63661404-G-T. GRCh37 (hg19) VCF-style: chr20-62292757-G-T.
Other names: c.-461G>T (NM_001283010.1); c.209G>T, p.Arg70Leu (NM_016434.4, NM_032957.5); short protein forms R70L.
Identifiers: ClinVar variation 2148334 (VCV002148334.4), dbSNP rs61736616, ClinGen allele CA9964142.

ClinVar aggregate classification (germline): Uncertain significance. Review status: criteria provided, multiple submitters, no conflicts (2 of 4 stars). 2 submissions from 2 submitters: Uncertain significance (2). Last evaluated 2025-10-08.

Conditions:
Inborn genetic diseases. Identifiers: MedGen C0950123, MeSH D030342.
Pulmonary fibrosis and/or bone marrow failure, Telomere-related, 3. Also called: PULMONARY FIBROSIS AND/OR BONE MARROW FAILURE SYNDROME, TELOMERE-RELATED, 3. Identifiers: Orphanet 2032, MedGen C4225346, MONDO:0014613, OMIM 616373.
Dyskeratosis congenita, autosomal recessive 5 (DKCB5). Identifiers: MedGen C3554656, MONDO:0014076, OMIM 615190.

Allele frequency attached by ClinVar (database versions not stated): gnomAD 0.00001; TOPMed 0.00002.

Submissions (2):

Labcorp Genetics (formerly Invitae), Labcorp
Classification: Uncertain significance for Dyskeratosis congenita, autosomal recessive 5; Pulmonary fibrosis and/or bone marrow failure, Telomere-related, 3. Last evaluated: 2025-10-08. Review status: criteria provided, single submitter. Criteria: Invitae Variant Classification Sherloc (09022015). Collection method: clinical testing. Allele origin: germline.
Comment: This sequence change replaces arginine, which is basic and polar, with leucine, which is neutral and non-polar, at codon 70 of the RTEL1 protein (p.Arg70Leu). The frequency data for this variant in the population databases is considered unreliable, as metrics indicate poor data quality at this position in the gnomAD database. This variant has not been reported in the literature in individuals affected with RTEL1-related conditions. ClinVar contains an entry for this variant (Variation ID: 2148334). An algorithm developed to predict the effect of missense changes on protein structure and function outputs the following: PolyPhen-2: "Benign". The leucine amino acid residue is found in multiple mammalian species, which suggests that this missense change does not adversely affect protein function. In summary, the available evidence is currently insufficient to determine the role of this variant in disease. Therefore, it has been classified as a Variant of Uncertain Significance.

Ambry Genetics
Classification: Uncertain significance for Inborn genetic diseases. Last evaluated: 2024-12-23. Review status: criteria provided, single submitter. Criteria: Ambry Variant Classification Scheme 2023. Collection method: clinical testing. Allele origin: germline.
Comment: The p.R70L variant (also known as c.209G>T), located in coding exon 2 of the RTEL1 gene, results from a G to T substitution at nucleotide position 209. The arginine at codon 70 is replaced by leucine, an amino acid with dissimilar properties. This amino acid position is conserved. In addition, this alteration is predicted to be tolerated by in silico analysis. Based on the available evidence, the clinical significance of this variant remains unclear.